The following is an entry in ClinVar:

ClinVar aggregate classification (germline): Conflicting classifications of pathogenicity. Review status: criteria provided, conflicting classifications (1 of 4 stars). 16 submissions from 16 submitters: Uncertain significance (2); Likely benign (11). 3 of the submissions do not count toward it. Last evaluated 2026-05-28.

Conditions:
BRCA1-related disorder. Also called: BRCA1-related condition.
Hereditary cancer-predisposing syndrome. Also called: Hereditary Cancer Syndrome; Hereditary neoplastic syndrome; Neoplastic Syndromes, Hereditary; Tumor predisposition. Identifiers: Orphanet 140162, MedGen C0027672, MeSH D009386, MONDO:0015356.
Breast-ovarian cancer, familial, susceptibility to, 1 (BROVCA1). Also called: BRCA1 Hereditary Breast and Ovarian Cancer; OVARIAN CANCER, SUSCEPTIBILITY TO. Identifiers: Orphanet 145, MedGen C2676676, MONDO:0011450, OMIM 604370. Disease mechanism: loss of function.
Fanconi anemia, complementation group S (FANCS). Identifiers: MedGen C4554406, MONDO:0054748, OMIM 617883.
Hereditary breast ovarian cancer syndrome. Also called: BRCA1- and BRCA2-Associated Hereditary Breast and Ovarian Cancer; Hereditary breast and ovarian cancer syndrome; Hereditary breast and ovarian cancer syndrome (HBOC); Breast and ovarian cancer; Hereditary breast and/or ovarian cancer syndrome; Hereditary breast and ovarian cancer. Identifiers: Orphanet 145, MedGen C0677776, MeSH D061325, MONDO:0003582. Disease mechanism: loss of function.

Allele frequency attached by ClinVar (database versions not stated): gnomAD exomes 0.00001; ExAC 0.00002.

Submissions (16):

PreventionGenetics, part of Exact Sciences
Classification: Likely benign for BRCA1-related condition. Last evaluated: 2026-05-28. Review status: criteria provided, single submitter. Criteria: ACMG Guidelines, 2015. Collection method: clinical testing. Allele origin: germline.
Comment: This variant is classified as likely benign based on ACMG/AMP sequence variant interpretation guidelines (Richards et al. 2015 PMID: 25741868, with internal and published modifications).

Women's Health and Genetics/Laboratory Corporation of America, LabCorp
Classification: Likely benign. Last evaluated: 2026-04-07. Review status: criteria provided, single submitter. Criteria: LabCorp Variant Classification Summary - May 2015. Collection method: clinical testing. Allele origin: germline.
Comment: Variant summary: BRCA1 c.4765C>T (p.Arg1589Cys) results in a non-conservative amino acid change in the encoded protein sequence. Algorithms developed to predict the effect of missense changes on protein structure and function are either unavailable or do not agree on the potential impact of this missense change. The variant allele was found at a frequency of 1.2e-05 in 251386 control chromosomes. The available data on variant occurrences in the general population are insufficient to allow any conclusion about variant significance. c.4765C>T has been reported in HBOC families, however with limited information (i.e. no data about co-occurrence and cosegregation provided) (example, Judkins_2005, Lincoln_2015, Kim_2020). However, a reputable database (BIC) cites the variant to co-occur with a pathogenic BRCA2 variant (c.1929delG), suggesting that it was not a primary cause of disease in the patient. A large case-control study evaluating breast cancer genetic risk also reported this variant was absent in the case cohorts (Dorling_2021, 1/53461 controls). In addition, this variant had similar transcription activation activity in comparison to wildtype (Woods_2016). These report(s) do not provide unequivocal conclusions about association of the variant with Hereditary Breast And Ovarian Cancer Syndrome. The following publications have been ascertained in the context of this evaluation (PMID: 33471991, 16267036, 31907386, 26207792, 15385441, 28781887). ClinVar contains an entry for this variant (Variation ID: 55283). Based on the evidence outlined above, the variant was classified as likely benign.

Labcorp Genetics (formerly Invitae), Labcorp
Classification: Likely benign for Hereditary breast ovarian cancer syndrome. Last evaluated: 2026-01-30. Review status: criteria provided, single submitter. Criteria: Invitae Variant Classification Sherloc (09022015). Collection method: clinical testing. Allele origin: germline.

Center for Genomic Medicine, Rigshospitalet, Copenhagen University Hospital
Classification: Likely benign. Last evaluated: 2025-03-04. Review status: criteria provided, single submitter. Criteria: ACMG Guidelines, 2015. Collection method: clinical testing. Allele origin: germline.

Department of Pathology and Laboratory Medicine, Sinai Health System
Classification: Likely benign for Fanconi anemia, complementation group S. Last evaluated: 2025-02-05. Review status: criteria provided, single submitter. Criteria: ACMG Guidelines, 2015. Collection method: clinical testing. Allele origin: germline.

Blueprint Genetics
Classification: Likely benign. Last evaluated: 2024-06-06. Review status: criteria provided, single submitter. Criteria: ACMG Guidelines, 2015. Collection method: clinical testing. Allele origin: germline.

All of Us Research Program, National Institutes of Health
Classification: Likely benign for Breast-ovarian cancer, familial, susceptibility to, 1. Last evaluated: 2023-10-23. Review status: criteria provided, single submitter. Criteria: ACMG Guidelines, 2015. Collection method: clinical testing. Allele origin: germline. Inheritance: Autosomal dominant inheritance. Observed: 1 variant allele, 1 heterozygote.
Comment: This study involves interpretation of variants in research participants for the purpose of population health screening. Participant phenotype was not available at the time of variant classification. Additional details can be found in publication PMID: 35346344, PMCID: PMC8962531

Sema4
Classification: Likely benign for Hereditary cancer-predisposing syndrome. Last evaluated: 2021-03-28. Review status: criteria provided, single submitter. Criteria: Sema4 Curation Guidelines. Collection method: curation. Allele origin: germline.

Genetic Services Laboratory, University of Chicago
Classification: Uncertain significance. Last evaluated: 2020-04-28. Review status: criteria provided, single submitter. Criteria: ACMG Guidelines, 2015. Collection method: clinical testing. Allele origin: germline. Affected: no.
Comment: DNA sequence analysis of the BRCA1 gene demonstrated a sequence change, c.4765C>T, in exon 15 that results in an amino acid change, p.Arg1589Cys. This sequence change has been described in the gnomAD database in three individuals (dbSNP rs80357002). The p.Arg1589Cys change has been described in one individual from a hereditary breast and ovarian cancer family (PMID: 16267036). The p.Arg1589Cys change affects a poorly conserved amino acid residue located in a domain of the BRCA1 protein that is known to be functional. In-silico pathogenicity prediction tools (SIFT, PolyPhen2, Align GVGD, REVEL) provide contradictory results for the p.Arg1589Cys substitution. Due to these contrasting evidences and the lack of functional studies, the clinical significance of the p.Arg1589Cys change remains unknown at this time.

Ambry Genetics
Classification: Likely benign for Hereditary cancer-predisposing syndrome. Last evaluated: 2018-09-26. Review status: criteria provided, single submitter. Criteria: Ambry Variant Classification Scheme 2023. Collection method: clinical testing. Allele origin: germline.

Color Diagnostics, LLC DBA Color Health
Classification: Likely benign for Hereditary cancer-predisposing syndrome. Last evaluated: 2016-11-21. Review status: criteria provided, single submitter. Criteria: ACMG Guidelines, 2015. Collection method: clinical testing. Allele origin: germline.

GeneDx
Classification: Likely benign. Last evaluated: 2016-05-19. Review status: criteria provided, single submitter. Criteria: GeneDx Variant Classification (06012015). Collection method: clinical testing. Allele origin: germline. Affected: yes.
Comment: This variant is considered likely benign or benign based on one or more of the following criteria: it is a conservative change, it occurs at a poorly conserved position in the protein, it is predicted to be benign by multiple in silico algorithms, and/or has population frequency not consistent with disease.

Molecular Endocrinology Laboratory, Christian Medical College
Classification: Uncertain significance for Breast-ovarian cancer, familial, susceptibility to, 1. Review status: criteria provided, single submitter. Criteria: ACMG Guidelines, 2015. Collection method: clinical testing. Allele origin: germline. Affected: yes.

True Health Diagnostics
Classification: Likely benign for Hereditary cancer-predisposing syndrome. Last evaluated: 2018-05-30. Review status: no assertion criteria provided. Collection method: clinical testing. Allele origin: germline. Not counted in ClinVar's aggregate classification.

Sharing Clinical Reports Project (SCRP)
Classification: Benign for Breast-ovarian cancer, familial 1. Last evaluated: 2012-08-10. Review status: no assertion criteria provided. Collection method: clinical testing. Allele origin: germline. Not counted in ClinVar's aggregate classification.

Breast Cancer Information Core (BIC) (BRCA1)
Classification: Uncertain significance for Breast-ovarian cancer, familial 1. Last evaluated: 2004-02-20. Review status: no assertion criteria provided. Collection method: clinical testing. Allele origin: germline. Affected: yes. Observed: 2 variant alleles. Not counted in ClinVar's aggregate classification.

Literature cited by the submitters: PubMed 16267036 (cited by Women's Health and Genetics/Laboratory Corporation of America, LabCorp and Department of Pathology and Laboratory Medicine, Sinai Health System); PubMed 15385441 (cited by Women's Health and Genetics/Laboratory Corporation of America, LabCorp and Molecular Endocrinology Laboratory, Christian Medical College); PubMed 26207792 (cited by Women's Health and Genetics/Laboratory Corporation of America, LabCorp); PubMed 28781887 (cited by 3 submitters); PubMed 33471991 (cited by Women's Health and Genetics/Laboratory Corporation of America, LabCorp and Department of Pathology and Laboratory Medicine, Sinai Health System); PubMed 31907386 (cited by Women's Health and Genetics/Laboratory Corporation of America, LabCorp); PubMed 31917386 (cited by Department of Pathology and Laboratory Medicine, Sinai Health System).

NM_007294.4(BRCA1):c.4765C>T (p.Arg1589Cys)

Gene: BRCA1 (BRCA1 DNA repair associated; minus strand). Cytogenetic location: 17q21.31.
Variant type: single nucleotide variant.
Coding change: c.4765C>T on transcript NM_007294.4 (MANE Select); coding-DNA position 4765, C replaced by T.
Protein change: p.Arg1589Cys; replaces arginine 1589 with cysteine.
Molecular consequence: missense variant. On other transcripts: non-coding transcript variant (1).
Genome position (GRCh38, 1-based): chr17:43,071,149, G>A on the plus strand (C>T on the coding strand, the complement: BRCA1 is on the minus strand). VCF-style: chr17-43071149-G-A. GRCh37 (hg19) VCF-style: chr17-41223166-G-A.
Other names: 4884C>T; c.4552C>T, p.Arg1518Cys (NM_001407904.1, NM_001407906.1, NM_001407907.1 and 12 more transcripts); c.4549C>T, p.Arg1517Cys (NM_001407915.1, NM_001407916.1, NM_001407917.1 and 1 more transcripts); c.4432C>T, p.Arg1478Cys (NM_001407947.1, NM_001407948.1, NM_001407949.1 and 1 more transcripts); c.4429C>T, p.Arg1477Cys (NM_001407950.1, NM_001407951.1, NM_001407952.1 and 3 more transcripts); c.4426C>T, p.Arg1476Cys (NM_001407956.1, NM_001407957.1, NM_001407958.1); c.4621C>T, p.Arg1541Cys (NM_001407736.1, NM_001407737.1, NM_001407738.1 and 21 more transcripts); c.4639C>T, p.Arg1547Cys (NM_001407863.1, NM_001407672.1, NM_001407673.1 and 11 more transcripts); and 71 more; short protein forms R1589C, R1610C, R1542C, R485C, R1563C, R1586C, R372C, R376C.
Identifiers: ClinVar variation 55283 (VCV000055283.70), dbSNP rs80357002, ClinGen allele CA003012.
Genomic context (GRCh38, chr17:43,071,149, plus strand): 5'-CTGCAACTTTCAATTGGGGAACTTTCAATGCAGAGGTTGAAGATGGTATGTTGCCAACAC[G>A]AGCTGACTCTGGGGCTCTGTCTTCAGAAGGATCAGATTCAGGGTCATCAGAGAAGAGGCT-3'
Protein context (NP_009225.1, residues 1579-1599): PSEDRAPESA[Arg1589Cys]VGNIPSSTSA